The following is an entry in ClinVar:

ClinVar aggregate classification (germline): Uncertain significance (1 of 4 stars; one submission).

Allele frequency attached by ClinVar (database versions not stated): ExAC 0.00001; gnomAD exomes 0.00001.

Submission:

GeneDx
Classification: Uncertain significance. Last evaluated: 2020-02-16. Review status: criteria provided, single submitter. Criteria: GeneDx Variant Classification Process June 2021. Collection method: clinical testing. Allele origin: germline. Affected: yes.
Comment: In silico analysis supports that this missense variant has a deleterious effect on protein structure/function; Has not been previously published as pathogenic or benign to our knowledge

NM_017721.5(CC2D1A):c.1412C>T (p.Pro471Leu)

Gene: CC2D1A (coiled-coil and C2 domain containing 1A; plus strand). Cytogenetic location: 19p13.12.
Variant type: single nucleotide variant.
Coding change: c.1412C>T on transcript NM_017721.5 (MANE Select); coding-DNA position 1412, C replaced by T.
Protein change: p.Pro471Leu; replaces proline 471 with leucine.
Molecular consequence: missense variant.
Genome position (GRCh38, 1-based): chr19:13,920,612, C>T. VCF-style: chr19-13920612-C-T. GRCh37 (hg19) VCF-style: chr19-14031425-C-T.
Other names: short protein forms P471L.
Identifiers: ClinVar variation 1308811 (VCV001308811.2), dbSNP rs773170398, ClinGen allele CA9244665.
Genomic context (GRCh38, chr19:13,920,612, plus strand): 5'-TACAGCAGAACAGCCCTGTGGCCCCCACAGCCCAGCCCAAAGCCCCACCCTCAAGAACTC[C>T]CCAGTCGGGATCAGCCCCAACAGCCAAAGCGCCCCCCAAAGCCACATCCACCAGAGGTAA-3'
Protein context (NP_060191.3, residues 461-481): AQPKAPPSRT[Pro471Leu]QSGSAPTAKA